The following is an entry in ClinVar:

NM_021831.6(AGBL5):c.1631C>G (p.Pro544Arg)

Gene: AGBL5 (AGBL carboxypeptidase 5; plus strand). Cytogenetic location: 2p23.3.
Variant type: single nucleotide variant.
Coding change: c.1631C>G on transcript NM_021831.6 (MANE Select); coding-DNA position 1631, C replaced by G.
Protein change: p.Pro544Arg; replaces proline 544 with arginine.
Molecular consequence: missense variant. On other transcripts: non-coding transcript variant (2).
Genome position (GRCh38, 1-based): chr2:27,057,398, C>G. VCF-style: chr2-27057398-C-G. GRCh37 (hg19) VCF-style: chr2-27280266-C-G.
Other names: c.1631C>G, p.Pro544Arg (NM_001035507.3); short protein forms P544R.
Identifiers: ClinVar variation 1053625 (VCV001053625.9), dbSNP rs1443722934, ClinGen allele CA346184177.

ClinVar aggregate classification (germline): Uncertain significance (1 of 4 stars; one submission).

gnomAD v4.1: 1 of 1,613,908 alleles (0.000062%); highest among the groups gnomAD compares: Admixed American, 0.0017%; no homozygotes.

Submission:

Labcorp Genetics (formerly Invitae), Labcorp
Classification: Uncertain significance. Last evaluated: 2023-08-30. Review status: criteria provided, single submitter. Criteria: Invitae Variant Classification Sherloc (09022015). Collection method: clinical testing. Allele origin: germline.
Comment: This sequence change replaces proline, which is neutral and non-polar, with arginine, which is basic and polar, at codon 544 of the AGBL5 protein (p.Pro544Arg). This variant is not present in population databases (gnomAD no frequency). This missense change has been observed in individual(s) with autosomal recessive retinitis pigmentosa (Invitae). ClinVar contains an entry for this variant (Variation ID: 1053625). An algorithm developed to predict the effect of missense changes on protein structure and function (PolyPhen-2) suggests that this variant is likely to be disruptive. In summary, the available evidence is currently insufficient to determine the role of this variant in disease. Therefore, it has been classified as a Variant of Uncertain Significance.